The following is an entry in ClinVar:

NM_000098.3(CPT2):c.1251C>T (p.Phe417=)

Gene: CPT2 (carnitine palmitoyltransferase 2; plus strand). Cytogenetic location: 1p32.3.
Variant type: single nucleotide variant.
Coding change: c.1251C>T on transcript NM_000098.3 (MANE Select); coding-DNA position 1251, C replaced by T.
Protein change: p.Phe417=; no amino-acid change (phenylalanine 417 retained).
Molecular consequence: synonymous variant.
Genome position (GRCh38, 1-based): chr1:53,210,925, C>T. VCF-style: chr1-53210925-C-T. GRCh37 (hg19) VCF-style: chr1-53676597-C-T.
Other names: p.Phe417=; c.1251C>T, p.Phe417= (NM_001330589.2).
Identifiers: ClinVar variation 741863 (VCV000741863.12), dbSNP rs576822710, ClinGen allele CA859157.
Genomic context (GRCh38, chr1:53,210,925, plus strand): 5'-CACTCCACAGAGCCAGCCAGCTACCACTGACTCTACTGTCACGGTGCAGAAACTCAACTT[C>T]GAGCTGACTGATGCCTTAAAGACTGGCATCACAGCTGCTAAGGAAAAGTTTGATGCCACC-3'
Protein context (NP_000089.1, residues 407-427): DSTVTVQKLN[Phe417=]ELTDALKTGI

ClinVar aggregate classification (germline): Likely benign. Review status: criteria provided, multiple submitters, no conflicts (2 of 4 stars). 3 submissions from 3 submitters: Likely benign (2). 1 of the submissions does not count toward it. Last evaluated 2025-10-13.

Conditions:
Carnitine palmitoyltransferase II deficiency. Also called: Carnitine Palmitoyltransferase 2 Deficiency. Identifiers: Orphanet 157, MedGen C0342790, MONDO:0015515.

Allele frequency attached by ClinVar (database versions not stated): gnomAD exomes 0.00002; TOPMed 0.00003; gnomAD 0.00010.
gnomAD v4.1: 36 of 1,614,156 alleles (0.0022%); highest among the groups gnomAD compares: Admixed American, 0.015%; no homozygotes.

Submissions (3):

Labcorp Genetics (formerly Invitae), Labcorp
Classification: Likely benign for Carnitine palmitoyltransferase II deficiency. Last evaluated: 2025-10-13. Review status: criteria provided, single submitter. Criteria: Invitae Variant Classification Sherloc (09022015). Collection method: clinical testing. Allele origin: germline.

Mayo Clinic Laboratories, Mayo Clinic
Classification: Likely benign. Last evaluated: 2025-07-26. Review status: criteria provided, single submitter. Criteria: ACMG Guidelines, 2015. Collection method: clinical testing. Allele origin: germline. Observed: 1 variant allele.
Comment: BP4, BP7

Natera, Inc.
Classification: Likely benign for Carnitine palmitoyltransferase II deficiency. Last evaluated: 2020-09-22. Review status: no assertion criteria provided. Collection method: clinical testing. Allele origin: germline. Not counted in ClinVar's aggregate classification.